The following is an entry in ClinVar:

ClinVar aggregate classification (germline): Uncertain significance. Review status: criteria provided, multiple submitters, no conflicts (2 of 4 stars). 2 submissions from 2 submitters: Uncertain significance (2). Last evaluated 2025-12-15.

Conditions:
Joubert syndrome. Also called: JOUBERT-BOLTSHAUSER SYNDROME; Familial aplasia of the vermis. Identifiers: Orphanet 475, MedGen C5979921, MONDO:0018772.
Nephronophthisis. Also called: Juvenile Nephronophthisis. Identifiers: Orphanet 655, MedGen C0687120, MONDO:0019005, HP:0000090.
Meckel-Gruber syndrome. Also called: DYSENCEPHALIA SPLANCHNOCYSTICA; GRUBER SYNDROME; Dysencephalia splachnocystica. Identifiers: Orphanet 564, MedGen C0265215, MONDO:0018921.
Inborn genetic diseases. Identifiers: MedGen C0950123, MeSH D030342.

Allele frequency attached by ClinVar (database versions not stated): gnomAD exomes below 0.00001; ExAC 0.00001.
gnomAD v4.1: 2 of 1,613,766 alleles (0.00012%); highest among the groups gnomAD compares: Non-Finnish European, 0.00017%; no homozygotes.

Submissions (2):

Ambry Genetics
Classification: Uncertain significance for Inborn genetic diseases. Last evaluated: 2025-12-15. Review status: criteria provided, single submitter. Criteria: Ambry Variant Classification Scheme 2023. Collection method: clinical testing. Allele origin: germline.

Labcorp Genetics (formerly Invitae), Labcorp
Classification: Uncertain significance for Joubert syndrome; Meckel-Gruber syndrome; Nephronophthisis. Last evaluated: 2021-08-27. Review status: criteria provided, single submitter. Criteria: Invitae Variant Classification Sherloc (09022015). Collection method: clinical testing. Allele origin: germline.
Comment: This sequence change replaces glutamine with leucine at codon 126 of the CEP290 protein (p.Gln126Leu). The glutamine residue is moderately conserved and there is a moderate physicochemical difference between glutamine and leucine. This variant is present in population databases (rs748429036, ExAC 0.002%). This variant has not been reported in the literature in individuals affected with CEP290-related conditions. Algorithms developed to predict the effect of missense changes on protein structure and function are either unavailable or do not agree on the potential impact of this missense change (SIFT: "Deleterious"; PolyPhen-2: "Possibly Damaging"; Align-GVGD: "Class C0"). In summary, the available evidence is currently insufficient to determine the role of this variant in disease. Therefore, it has been classified as a Variant of Uncertain Significance.

NM_025114.4(CEP290):c.377A>T (p.Gln126Leu)

Gene: CEP290 (centrosomal protein 290; minus strand). Cytogenetic location: 12q21.32.
Variant type: single nucleotide variant.
Coding change: c.377A>T on transcript NM_025114.4 (MANE Select); coding-DNA position 377, A replaced by T.
Protein change: p.Gln126Leu; replaces glutamine 126 with leucine.
Molecular consequence: missense variant.
Genome position (GRCh38, 1-based): chr12:88,136,707, T>A on the plus strand (A>T on the coding strand, the complement: CEP290 is on the minus strand). VCF-style: chr12-88136707-T-A. GRCh37 (hg19) VCF-style: chr12-88530484-T-A.
Other names: c.377A>T (NM_025114.3); short protein forms Q126L.
Identifiers: ClinVar variation 1024324 (VCV001024324.9), dbSNP rs748429036, ClinGen allele CA6712819.